The following is an entry in ClinVar:

NM_001267550.2(TTN):c.13629_13663delinsCACCCTTT (p.Arg4543_Gly4555delinsSerThrLeuTrp)

Gene: TTN (titin; minus strand). Cytogenetic location: 2q31.2.
Variant type: Indel.
Coding change: c.13629_13663delinsCACCCTTT on transcript NM_001267550.2 (MANE Select); coding-DNA positions 13629 to 13663, the reference bases replaced by CACCCTTT.
Protein change: p.Arg4543_Gly4555delinsSerThrLeuTrp.
Molecular consequence: inframe indel. On other transcripts: intron variant (1).
Genome position (GRCh38, 1-based): chr2:178,739,570-178,739,604, 35 bases replaced. GRCh37 (hg19): chr2:179,604,297-179,604,331.
Other names: c.12678_12712delinsCACCCTTT, p.Arg4226_Gly4238delinsSerThrLeuTrp (NM_001256850.1); c.12540_12574delinsCACCCTTT, p.Arg4180_Gly4192delinsSerThrLeuTrp (NM_003319.4); c.12915_12949delinsCACCCTTT, p.Arg4305_Gly4317delinsSerThrLeuTrp (NM_133432.3); c.13116_13150delinsCACCCTTT, p.Arg4372_Gly4384delinsSerThrLeuTrp (NM_133437.4); c.10361-1244_10361-1210delinsCACCCTTT (NM_133378.4); c.12540_12574del35insCACCCTTT (NM_003319.4).
Identifiers: ClinVar variation 1761340 (VCV001761340.2), dbSNP rs2530611522, ClinGen allele CA2580065235.

ClinVar aggregate classification (germline): Uncertain significance (1 of 4 stars; one submission).

Conditions:
Cardiovascular phenotype. Identifiers: MedGen CN230736.

Submission:

Ambry Genetics
Classification: Uncertain significance for Cardiovascular phenotype. Last evaluated: 2018-09-28. Review status: criteria provided, single submitter. Criteria: Ambry Variant Classification Scheme 2023. Collection method: clinical testing. Allele origin: germline.
Comment: The c.12540_12574del35insCACCCTTT variant (also known as p.R4180_G4192delinsSTLW), located in coding exon 44 of the TTN gene, results from an in-frame deletion of 35 nucleotides and insertion of CACCCTTT at nucleotide positions 12540 to 12574. This results in the substitution of 13 amino acids for serine, threonine, leucine, and tryptophan between codons 4180 and 4192. These amino acid positions are not well conserved in available vertebrate species. Since supporting evidence is limited at this time, the clinical significance of this alteration remains unclear.